The following is an entry in ClinVar:

ClinVar aggregate classification (germline): Uncertain significance. Review status: criteria provided, multiple submitters, no conflicts (2 of 4 stars). 4 submissions from 4 submitters: Uncertain significance (3). 1 of the submissions does not count toward it. Last evaluated 2025-10-05.

Conditions:
Autosomal recessive limb-girdle muscular dystrophy type 2A (LGMDR1). Also called: Limb-girdle muscular dystrophy, type 2A; Calpainopathy; MUSCULAR DYSTROPHY, PELVOFEMORAL; LEYDEN-MOEBIUS MUSCULAR DYSTROPHY; Muscular dystrophy, limb-girdle, type 2A, Amish. Identifiers: Orphanet 267, MedGen C1869123, MONDO:0009675, OMIM 253600. Disease mechanism: loss of function.

Allele frequency attached by ClinVar (database versions not stated): ExAC 0.00003; gnomAD exomes 0.00004 and 0.00001; gnomAD 0.00001; TOPMed 0.00002.
gnomAD v4.1: 20 of 1,613,974 alleles (0.0012%); highest among the groups gnomAD compares: East Asian, 0.011%; no homozygotes.

Submissions (4):

Labcorp Genetics (formerly Invitae), Labcorp
Classification: Uncertain significance for Autosomal recessive limb-girdle muscular dystrophy type 2A. Last evaluated: 2025-10-05. Review status: criteria provided, single submitter. Criteria: Invitae Variant Classification Sherloc (09022015). Collection method: clinical testing. Allele origin: germline.
Comment: This sequence change replaces arginine, which is basic and polar, with glutamine, which is neutral and polar, at codon 289 of the CAPN3 protein (p.Arg289Gln). This variant is present in population databases (rs775084606, gnomAD 0.01%). This variant has not been reported in the literature in individuals affected with CAPN3-related conditions. ClinVar contains an entry for this variant (Variation ID: 656153). Invitae Evidence Modeling of protein sequence and biophysical properties (such as structural, functional, and spatial information, amino acid conservation, physicochemical variation, residue mobility, and thermodynamic stability) indicates that this missense variant is not expected to disrupt CAPN3 protein function with a negative predictive value of 80%. This variant disrupts the p.Arg289 amino acid residue in CAPN3. Other variant(s) that disrupt this residue have been determined to be pathogenic (PMID: 17236769, 18337726, 25135358). This suggests that this residue is clinically significant, and that variants that disrupt this residue are likely to be disease-causing. In summary, the available evidence is currently insufficient to determine the role of this variant in disease. Therefore, it has been classified as a Variant of Uncertain Significance.

Mayo Clinic Laboratories, Mayo Clinic
Classification: Uncertain significance. Last evaluated: 2024-07-17. Review status: criteria provided, single submitter. Criteria: ACMG Guidelines, 2015. Collection method: clinical testing. Allele origin: germline. Observed: 2 variant alleles.
Comment: PM5

GeneDx
Classification: Uncertain significance. Last evaluated: 2022-11-29. Review status: criteria provided, single submitter. Criteria: GeneDx Variant Classification Process June 2021. Collection method: clinical testing. Allele origin: germline. Affected: yes.
Comment: In silico analysis supports that this missense variant does not alter protein structure/function; Has not been previously published as pathogenic or benign to our knowledge; This variant is associated with the following publications: (PMID: 18337726, 17236769, 25135358)

Natera, Inc.
Classification: Uncertain significance for Limb-girdle muscular dystrophy type 2A. Last evaluated: 2020-09-16. Review status: no assertion criteria provided. Collection method: clinical testing. Allele origin: germline. Not counted in ClinVar's aggregate classification.

Literature cited by the submitters: PubMed 17236769 (cited by Labcorp Genetics (formerly Invitae), Labcorp); PubMed 18337726 (cited by Labcorp Genetics (formerly Invitae), Labcorp); PubMed 25135358 (cited by Labcorp Genetics (formerly Invitae), Labcorp).

NM_000070.3(CAPN3):c.866G>A (p.Arg289Gln)

Gene: CAPN3 (calpain 3; plus strand). Cytogenetic location: 15q15.1.
Variant type: single nucleotide variant.
Coding change: c.866G>A on transcript NM_000070.3 (MANE Select); coding-DNA position 866, G replaced by A.
Protein change: p.Arg289Gln; replaces arginine 289 with glutamine.
Molecular consequence: missense variant. On other transcripts: intron variant (1).
Genome position (GRCh38, 1-based): chr15:42,390,017, G>A. VCF-style: chr15-42390017-G-A. GRCh37 (hg19) VCF-style: chr15-42682215-G-A.
Other names: p.Arg289Gln; c.866G>A, p.Arg289Gln (NM_024344.2); c.801+921G>A (NM_173087.2); short protein forms R289Q.
Identifiers: ClinVar variation 656153 (VCV000656153.8), dbSNP rs775084606, ClinGen allele CA7511152.